The following is an entry in ClinVar:

NM_002693.3(POLG):c.61G>T (p.Ala21Ser)

Genes: POLG (DNA polymerase gamma, catalytic subunit; minus strand), POLGARF (POLG alternative reading frame; minus strand). Cytogenetic location: 15q26.1.
Variant type: single nucleotide variant.
Coding change: c.61G>T on transcript NM_002693.3 (MANE Select); coding-DNA position 61, G replaced by T.
Protein change: p.Ala21Ser; replaces alanine 21 with serine.
Molecular consequence: missense variant.
Genome position (GRCh38, 1-based): chr15:89,333,694, C>A on the plus strand (G>T on the coding strand, the complement: POLG is on the minus strand). VCF-style: chr15-89333694-C-A. GRCh37 (hg19) VCF-style: chr15-89876925-C-A.
Other names: c.61G>T, p.Ala21Ser (NM_001126131.2); short protein forms A21S.
Identifiers: ClinVar variation 2153988 (VCV002153988.4), dbSNP rs1398079290, ClinGen allele CA393775030.

ClinVar aggregate classification (germline): Uncertain significance (1 of 4 stars; one submission).

Conditions:
Progressive sclerosing poliodystrophy (MTDPS4A). Also called: Mitochondrial DNA depletion syndrome 4A (Alpers type); Alpers Syndrome; ALPERS DIFFUSE DEGENERATION OF CEREBRAL GRAY MATTER WITH HEPATIC CIRRHOSIS; Alpers-Huttenlocher Syndrome; ALPERS PROGRESSIVE INFANTILE POLIODYSTROPHY; NEURONAL DEGENERATION OF CHILDHOOD WITH LIVER DISEASE, PROGRESSIVE. Identifiers: Orphanet 726, MedGen C0205710, MONDO:0008758, OMIM 203700.

gnomAD v4.1: 2 of 1,541,986 alleles (0.00013%); highest among the groups gnomAD compares: Non-Finnish European, 0.00017%; no homozygotes.

Submission:

Labcorp Genetics (formerly Invitae), Labcorp
Classification: Uncertain significance for Progressive sclerosing poliodystrophy. Last evaluated: 2023-09-19. Review status: criteria provided, single submitter. Criteria: Invitae Variant Classification Sherloc (09022015). Collection method: clinical testing. Allele origin: germline.
Comment: In summary, the available evidence is currently insufficient to determine the role of this variant in disease. Therefore, it has been classified as a Variant of Uncertain Significance. Advanced modeling of protein sequence and biophysical properties (such as structural, functional, and spatial information, amino acid conservation, physicochemical variation, residue mobility, and thermodynamic stability) performed at Invitae indicates that this missense variant is not expected to disrupt POLG protein function. ClinVar contains an entry for this variant (Variation ID: 2153988). This variant has not been reported in the literature in individuals affected with POLG-related conditions. This variant is not present in population databases (gnomAD no frequency). This sequence change replaces alanine, which is neutral and non-polar, with serine, which is neutral and polar, at codon 21 of the POLG protein (p.Ala21Ser).